The following is an entry in ClinVar:

ClinVar aggregate classification (germline): Pathogenic (1 of 4 stars; one submission).

Submission:

Labcorp Genetics (formerly Invitae), Labcorp
Classification: Pathogenic. Last evaluated: 2025-09-02. Review status: criteria provided, single submitter. Criteria: Invitae Variant Classification Sherloc (09022015). Collection method: clinical testing. Allele origin: germline.
Comment: This sequence change creates a premature translational stop signal (p.Arg261Hisfs*23) in the SLC34A1 gene. It is expected to result in an absent or disrupted protein product. Loss-of-function variants in SLC34A1 are known to be pathogenic (PMID: 26047794). This variant is present in population databases (rs745917689, gnomAD 0.004%). This variant has not been reported in the literature in individuals affected with SLC34A1-related conditions. ClinVar contains an entry for this variant (Variation ID: 1920215). For these reasons, this variant has been classified as Pathogenic.

Literature cited by the submitters: PubMed 26047794.

NM_003052.5(SLC34A1):c.782_810del (p.Arg261fs)

Gene: SLC34A1 (solute carrier family 34 member 1; plus strand). Cytogenetic location: 5q35.3.
Variant type: Deletion.
Coding change: c.782_810del on transcript NM_003052.5 (MANE Select); coding-DNA positions 782 to 810, 29 bases deleted (GTGATGCTCCTGACCTGCTCAAGATCATC).
Protein change: p.Arg261fs; shifts the reading frame from arginine 261.
Molecular consequence: frameshift variant.
Genome position (GRCh38, 1-based): chr5:177,388,131-177,388,159, GTGATGCTCCTGACCTGCTCAAGATCATC deleted; deleting any 29 consecutive bases within chr5:177,388,130-177,388,159 gives the same sequence; the c. name uses the placement nearest the transcript's 3' end. VCF-style (leftmost placement, unchanged base first): chr5-177388129-CCGTGATGCTCCTGACCTGCTCAAGATCAT-C. GRCh37 (hg19) VCF-style: chr5-176815130-CCGTGATGCTCCTGACCTGCTCAAGATCAT-C.
Other names: c.782_810del, p.Arg261fs (NM_001167579.2); short protein forms R261fs.
Identifiers: ClinVar variation 1920215 (VCV001920215.5), dbSNP rs745917689, ClinGen allele CA3580519.